The following is an entry in ClinVar:

ClinVar aggregate classification (germline): Likely pathogenic. Review status: criteria provided, multiple submitters, no conflicts (2 of 4 stars). 2 submissions from 2 submitters: Likely pathogenic (2). Last evaluated 2026-07-27.

Conditions:
Autosomal recessive spinocerebellar ataxia 10. Identifiers: Orphanet 284289, MedGen C3150998, MONDO:0013392, OMIM 613728.

Allele frequency attached by ClinVar (database versions not stated): TOPMed below 0.00001.

Submissions (2):

Myriad Genetics, Inc.
Classification: Likely pathogenic for Autosomal recessive spinocerebellar ataxia 10. Last evaluated: 2026-07-27. Review status: criteria provided, single submitter. Criteria: Myriad Autosomal Dominant, Autosomal Recessive and X-Linked Classification Criteria (2023). Collection method: clinical testing. Allele origin: unknown.
Comment: NM_018075.3(ANO10):c.1A>G(M1?) is an initiation codon variant classified as pathogenic in the context of spinocerebellar ataxia, ANO10-related. M1? has been observed in a case with relevant disease (PMID: 33310205). Relevant functional assessments of this variant are not available in the literature. M1? has not been observed in referenced population frequency databases. In summary, NM_018075.3(ANO10):c.1A>G(M1?) is an initiation codon variant in a gene where loss of function is a known mechanism of disease, is predicted to disrupt protein function, and has been observed more frequently in cases with the relevant disease than in healthy populations. Please note: this variant was assessed in the context of healthy population screening.

Victorian Clinical Genetics Services, Murdoch Childrens Research Institute
Classification: Likely pathogenic for Autosomal recessive spinocerebellar ataxia 10. Last evaluated: 2022-03-31. Review status: criteria provided, single submitter. Criteria: ACMG Guidelines, 2015. Collection method: clinical testing. Allele origin: germline. Inheritance: Autosomal recessive inheritance. Affected: yes.
Comment: Based on the classification scheme VCGS_Germline_v1.3.4, this variant is classified as Likely pathogenic. Following criteria are met: 0102 - Loss of function is a known mechanism of disease in this gene and is associated with spinocerebellar ataxia 10 (MIM#613728). (I) 0106 - This gene is associated with autosomal recessive disease. (I) 0206 - Variant is predicted to result in a loss of the canonical translation initiation codon (ATG). (SP) 0251 - This variant is heterozygous. (I) 0301 - Variant is absent from gnomAD (both v2 and v3). (SP) 0311 - Three alternative nucleotide changes at the initiation codon, are present in gnomAD (v2) at a frequency of 0.00002 (highest allele count: 0 heterozygotes, 1 homozygote). (I) 0704 - Another start loss variant comparable to the one identified in this case has limited previous evidence for pathogenicity. The alternative change, c.2T>C, has been reported as likely pathogenic and pathogenic in ClinVar. (SP) 0803 - This variant has limited previous evidence of pathogenicity in an individual. This variant has been reported in a homozygous individual with hereditary cerebellar ataxias (PMID: 30078120). (SP) 0905 - No published segregation evidence has been identified for this variant. (I) 1007 - No published functional evidence has been identified for this variant. (I) 1208 - Inheritance information for this variant is not currently available in this individual. (I) Legend: (SP) - Supporting pathogenic, (I) - Information, (SB) - Supporting benign

Literature cited by the submitters: PubMed 33310205 (cited by Myriad Genetics, Inc.); PubMed 30078120 (cited by Victorian Clinical Genetics Services, Murdoch Childrens Research Institute).

NM_018075.5(ANO10):c.1A>G (p.Met1Val)

Gene: ANO10 (anoctamin 10; minus strand). Cytogenetic location: 3p21.33.
Variant type: single nucleotide variant.
Coding change: c.1A>G on transcript NM_018075.5 (MANE Select); coding-DNA position 1, A replaced by G.
Protein change: p.Met1Val; changes the start codon (methionine 1).
Molecular consequence: missense variant, initiator codon variant.
Genome position (GRCh38, 1-based): chr3:43,605,852, T>C on the plus strand (A>G on the coding strand, the complement: ANO10 is on the minus strand). VCF-style: chr3-43605852-T-C. GRCh37 (hg19) VCF-style: chr3-43647344-T-C.
Other names: c.1A>G, p.Met1Val (NM_001204831.3, NM_001204832.3, NM_001204833.3 and 8 more transcripts); short protein forms M1V.
Identifiers: ClinVar variation 1805383 (VCV001805383.3), dbSNP rs1285192900, ClinGen allele CA352346783.